The following is an entry in ClinVar:

ClinVar aggregate classification (germline): Conflicting classifications of pathogenicity. Review status: criteria provided, conflicting classifications (1 of 4 stars). 4 submissions from 4 submitters: Uncertain significance (2); Likely benign (1). 1 of the submissions does not count toward it. Last evaluated 2025-08-09.

Conditions:
Hereditary breast ovarian cancer syndrome. Also called: Hereditary breast and ovarian cancer syndrome; Hereditary breast and ovarian cancer; Hereditary breast and ovarian cancer syndrome (HBOC); Breast and ovarian cancer; Hereditary breast and/or ovarian cancer syndrome; BRCA1- and BRCA2-Associated Hereditary Breast and Ovarian Cancer. Identifiers: Orphanet 145, MedGen C0677776, MeSH D061325, MONDO:0003582. Disease mechanism: loss of function.
Hereditary cancer-predisposing syndrome. Also called: Neoplastic Syndromes, Hereditary; Tumor predisposition; Hereditary neoplastic syndrome; Hereditary Cancer Syndrome. Identifiers: Orphanet 140162, MedGen C0027672, MeSH D009386, MONDO:0015356.
Breast-ovarian cancer, familial, susceptibility to, 2 (BROVCA2). Also called: BRCA2 Hereditary Breast and Ovarian Cancer. Identifiers: Orphanet 145, MedGen C2675520, MONDO:0012933, OMIM 612555. Disease mechanism: loss of function.

Submissions (4):

Labcorp Genetics (formerly Invitae), Labcorp
Classification: Uncertain significance for Hereditary breast ovarian cancer syndrome. Last evaluated: 2025-08-09. Review status: criteria provided, single submitter. Criteria: Invitae Variant Classification Sherloc (09022015). Collection method: clinical testing. Allele origin: germline.
Comment: This sequence change replaces glutamic acid, which is acidic and polar, with glutamine, which is neutral and polar, at codon 1703 of the BRCA2 protein (p.Glu1703Gln). This variant is not present in population databases (gnomAD no frequency). This variant has not been reported in the literature in individuals affected with BRCA2-related conditions. ClinVar contains an entry for this variant (Variation ID: 51769). Invitae Evidence Modeling of protein sequence and biophysical properties (such as structural, functional, and spatial information, amino acid conservation, physicochemical variation, residue mobility, and thermodynamic stability) indicates that this missense variant is not expected to disrupt BRCA2 protein function with a negative predictive value of 95%. In summary, the available evidence is currently insufficient to determine the role of this variant in disease. Therefore, it has been classified as a Variant of Uncertain Significance.

University of Washington Department of Laboratory Medicine, University of Washington
Classification: Likely benign for Hereditary cancer-predisposing syndrome. Last evaluated: 2023-03-23. Review status: criteria provided, single submitter. Criteria: Dines et al. (Genet Med. 2020). Collection method: curation. Allele origin: germline.
Comment: Missense variant in a coldspot region where missense variants are very unlikely to be pathogenic (PMID:31911673).

BRCA2 exon 11 coldspot. Reclassification based on statistical prior probability.

Ambry Genetics
Classification: Uncertain significance for Hereditary cancer-predisposing syndrome. Last evaluated: 2021-02-23. Review status: criteria provided, single submitter. Criteria: Ambry Variant Classification Scheme 2023. Collection method: clinical testing. Allele origin: germline.
Comment: The p.E1703Q variant (also known as c.5107G>C), located in coding exon 10 of the BRCA2 gene, results from a G to C substitution at nucleotide position 5107. The glutamic acid at codon 1703 is replaced by glutamine, an amino acid with highly similar properties. This amino acid position is not well conserved in available vertebrate species. In addition, this alteration is predicted to be tolerated by in silico analysis. Since supporting evidence is limited at this time, the clinical significance of this alteration remains unclear.

Breast Cancer Information Core (BIC) (BRCA2)
Classification: Uncertain significance for Breast-ovarian cancer, familial 2. Last evaluated: 2003-12-23. Review status: no assertion criteria provided. Collection method: clinical testing. Allele origin: germline. Affected: yes. Observed: 1 variant allele. Not counted in ClinVar's aggregate classification.

NM_000059.4(BRCA2):c.5107G>C (p.Glu1703Gln)

Gene: BRCA2 (BRCA2 DNA repair associated; plus strand). Cytogenetic location: 13q13.1.
Variant type: single nucleotide variant.
Coding change: c.5107G>C on transcript NM_000059.4 (MANE Select); coding-DNA position 5107, G replaced by C.
Protein change: p.Glu1703Gln; replaces glutamic acid 1703 with glutamine.
Molecular consequence: missense variant.
Genome position (GRCh38, 1-based): chr13:32,339,462, G>C. VCF-style: chr13-32339462-G-C. GRCh37 (hg19) VCF-style: chr13-32913599-G-C.
Other names: short protein forms E1703Q.
Identifiers: ClinVar variation 51769 (VCV000051769.10), dbSNP rs80358735, ClinGen allele CA021267.